The following is an entry in ClinVar:

ClinVar aggregate classification (germline): Conflicting classifications of pathogenicity. Review status: criteria provided, conflicting classifications (1 of 4 stars). 4 submissions from 4 submitters: Uncertain significance (1); Likely benign (3). Last evaluated 2025-12-29.

Conditions:
Ehlers-Danlos syndrome (EDS). Identifiers: Orphanet 98249, MedGen C0013720, MONDO:0020066.
Cardiovascular phenotype. Identifiers: MedGen CN230736.

Allele frequency attached by ClinVar (database versions not stated): gnomAD exomes 0.00003 and 0.00005; TOPMed 0.00007; gnomAD 0.00010 and 0.00011; ExAC 0.00013.
gnomAD v4.1: 66 of 1,549,942 alleles (0.0043%); highest among the groups gnomAD compares: African/African-American, 0.022%; no homozygotes.

Submissions (4):

Labcorp Genetics (formerly Invitae), Labcorp
Classification: Likely benign. Last evaluated: 2025-12-29. Review status: criteria provided, single submitter. Criteria: Invitae Variant Classification Sherloc (09022015). Collection method: clinical testing. Allele origin: germline.

CeGaT Center for Human Genetics Tuebingen
Classification: Likely benign. Last evaluated: 2022-09-01. Review status: criteria provided, single submitter. Criteria: CeGaT Center For Human Genetics Tuebingen Variant Classification Criteria Version 2. Collection method: clinical testing. Allele origin: germline. Affected: yes. Observed: 1 variant allele.
Comment: ZNF469: BP4, BP7

Genome Diagnostics Laboratory, The Hospital for Sick Children
Classification: Uncertain significance for Ehlers-Danlos syndrome. Last evaluated: 2020-07-09. Review status: criteria provided, single submitter. Criteria: ACMG Guidelines, 2015. Collection method: clinical testing. Allele origin: germline.

Ambry Genetics
Classification: Likely benign for Cardiovascular phenotype. Last evaluated: 2020-03-17. Review status: criteria provided, single submitter. Criteria: Ambry Variant Classification Scheme 2023. Collection method: clinical testing. Allele origin: germline.

NM_001367624.2(ZNF469):c.6177G>A (p.Pro2059=)

Gene: ZNF469 (zinc finger protein 469; plus strand). Cytogenetic location: 16q24.2.
Variant type: single nucleotide variant.
Coding change: c.6177G>A on transcript NM_001367624.2 (MANE Select); coding-DNA position 6177, G replaced by A.
Protein change: p.Pro2059=; no amino-acid change (proline 2059 retained).
Molecular consequence: synonymous variant.
Genome position (GRCh38, 1-based): chr16:88,433,647, G>A. VCF-style: chr16-88433647-G-A. GRCh37 (hg19) VCF-style: chr16-88500055-G-A.
Other names: NM_001127464.2:c.6093G>A; NM_001127464.1:c.6093G>A.
Identifiers: ClinVar variation 1626963 (VCV001626963.36), dbSNP rs771042751, ClinGen allele CA8225131.